The following is an entry in ClinVar:

NM_024675.4(PALB2):c.1485A>G (p.Glu495=)

Gene: PALB2 (partner and localizer of BRCA2; minus strand). Cytogenetic location: 16p12.2.
Variant type: single nucleotide variant.
Coding change: c.1485A>G on transcript NM_024675.4 (MANE Select); coding-DNA position 1485, A replaced by G.
Protein change: p.Glu495=; no amino-acid change (glutamic acid 495 retained).
Molecular consequence: synonymous variant. On other transcripts: intron variant (3).
Genome position (GRCh38, 1-based): chr16:23,635,061, T>C on the plus strand (A>G on the coding strand, the complement: PALB2 is on the minus strand). VCF-style: chr16-23635061-T-C. GRCh37 (hg19) VCF-style: chr16-23646382-T-C.
Other names: c.1425A>G, p.Glu475= (NM_001407296.1); c.1485A>G, p.Glu495= (NM_001407297.1, NM_001407298.1, NM_001407299.1 and 3 more transcripts); c.600A>G, p.Glu200= (NM_001407304.1, NM_001407305.1, NM_001407306.1 and 5 more transcripts); c.49-5786A>G (NM_001407314.1); c.-104-4592A>G (NM_001407313.1, NM_001407312.1).
Identifiers: ClinVar variation 1773647 (VCV001773647.3), dbSNP rs1567220888, ClinGen allele CA494461361.

ClinVar aggregate classification (germline): Benign/Likely benign. Review status: criteria provided, multiple submitters, no conflicts (2 of 4 stars). 2 submissions from 2 submitters: Benign (1); Likely benign (1). Last evaluated 2025-01-13.

Conditions:
Hereditary cancer-predisposing syndrome. Also called: Hereditary Cancer Syndrome; Hereditary neoplastic syndrome; Neoplastic Syndromes, Hereditary; Tumor predisposition. Identifiers: Orphanet 140162, MedGen C0027672, MeSH D009386, MONDO:0015356.
Familial cancer of breast. Also called: BREAST CANCER, FAMILIAL; Hereditary breast cancer; hereditary breast carcinoma. Identifiers: Orphanet 227535, MedGen C0346153, MONDO:0016419, OMIM 114480. Disease mechanism: loss of function.

Submissions (2):

Myriad Genetics, Inc.
Classification: Benign for Familial cancer of breast. Last evaluated: 2025-01-13. Review status: criteria provided, single submitter. Criteria: Myriad Autosomal Dominant, Autosomal Recessive and X-Linked Classification Criteria (2023). Collection method: clinical testing. Allele origin: unknown.
Comment: This variant is considered benign. This variant is a silent/synonymous amino acid change and it is not expected to impact splicing.

Ambry Genetics
Classification: Likely benign for Hereditary cancer-predisposing syndrome. Last evaluated: 2020-03-10. Review status: criteria provided, single submitter. Criteria: Ambry Variant Classification Scheme 2023. Collection method: clinical testing. Allele origin: germline.